The following is an entry in ClinVar:

NM_000257.4(MYH7):c.4973A>G (p.Asp1658Gly)

Genes: MHRT (myosin heavy chain associated RNA transcript; plus strand), MYH7 (myosin heavy chain 7; minus strand), LOC126861897 (BRD4-independent group 4 enhancer GRCh37_chr14:23884455-23885654; plus strand). Cytogenetic location: 14q11.2.
Variant type: single nucleotide variant.
Coding change: c.4973A>G on transcript NM_000257.4 (MANE Select); coding-DNA position 4973, A replaced by G.
Protein change: p.Asp1658Gly; replaces aspartic acid 1658 with glycine.
Molecular consequence: missense variant. On other transcripts: non-coding transcript variant (1).
Genome position (GRCh38, 1-based): chr14:23,415,813, T>C on the plus strand (A>G on the coding strand, the complement: MYH7 is on the minus strand). VCF-style: chr14-23415813-T-C. GRCh37 (hg19) VCF-style: chr14-23885022-T-C.
Other names: short protein forms D1658G.
Identifiers: ClinVar variation 1013372 (VCV001013372.13), dbSNP rs1214910821, ClinGen allele CA389037217.

ClinVar aggregate classification (germline): Uncertain significance (1 of 4 stars; one submission).

Conditions:
Hypertrophic cardiomyopathy. Also called: HYPERTROPHIC MYOCARDIOPATHY. Identifiers: Orphanet 217569, MedGen C0007194, MeSH D002312, MONDO:0005045, HP:0001639.

Allele frequency attached by ClinVar (database versions not stated): gnomAD exomes below 0.00001.
gnomAD v4.1: 1 of 1,614,184 alleles (0.000062%); highest among the groups gnomAD compares: Admixed American, 0.0017%; no homozygotes.

Submission:

Labcorp Genetics (formerly Invitae), Labcorp
Classification: Uncertain significance for Hypertrophic cardiomyopathy. Last evaluated: 2021-10-10. Review status: criteria provided, single submitter. Criteria: Invitae Variant Classification Sherloc (09022015). Collection method: clinical testing. Allele origin: germline.
Comment: ClinVar contains an entry for this variant (Variation ID: 1013372). Algorithms developed to predict the effect of missense changes on protein structure and function are either unavailable or do not agree on the potential impact of this missense change (SIFT: "Deleterious"; PolyPhen-2: "Probably Damaging"; Align-GVGD: "Class C0"). In summary, the available evidence is currently insufficient to determine the role of this variant in disease. Therefore, it has been classified as a Variant of Uncertain Significance. This sequence change replaces aspartic acid with glycine at codon 1658 of the MYH7 protein (p.Asp1658Gly). The aspartic acid residue is highly conserved and there is a moderate physicochemical difference between aspartic acid and glycine. This variant is not present in population databases (ExAC no frequency). This variant has not been reported in the literature in individuals affected with MYH7-related conditions.